The following is an entry in ClinVar:

ClinVar aggregate classification (germline): Uncertain significance (1 of 4 stars; one submission).

Submission:

CeGaT Center for Human Genetics Tuebingen
Classification: Uncertain significance. Last evaluated: 2025-11-01. Review status: criteria provided, single submitter. Criteria: CeGaT Center For Human Genetics Tuebingen Variant Classification Criteria Version 2. Collection method: clinical testing. Allele origin: germline. Affected: yes. Observed: 1 variant allele.
Comment: BSN: PM2, PVS1:Moderate

NM_003458.4(BSN):c.9055C>T (p.Gln3019Ter)

Gene: BSN (bassoon presynaptic cytomatrix protein; plus strand). Cytogenetic location: 3p21.31.
Variant type: single nucleotide variant.
Coding change: c.9055C>T on transcript NM_003458.4 (MANE Select); coding-DNA position 9055, C replaced by T.
Protein change: p.Gln3019Ter; replaces glutamine 3019 with a stop codon.
Molecular consequence: nonsense.
Genome position (GRCh38, 1-based): chr3:49,660,900, C>T. VCF-style: chr3-49660900-C-T. GRCh37 (hg19) VCF-style: chr3-49698333-C-T.
Other names: short protein forms Q3019*.
Identifiers: ClinVar variation 4535243 (VCV004535243.6).